The following is an entry in ClinVar:

ClinVar aggregate classification (germline): Likely benign (1 of 4 stars; one submission).

Submission:

GeneDx
Classification: Likely benign. Last evaluated: 2017-04-07. Review status: criteria provided, single submitter. Criteria: GeneDx Variant Classification (06012015). Collection method: clinical testing. Allele origin: germline. Affected: yes.
Comment: This variant is considered likely benign or benign based on one or more of the following criteria: it is a conservative change, it occurs at a poorly conserved position in the protein, it is predicted to be benign by multiple in silico algorithms, and/or has population frequency not consistent with disease.

NM_001267550.2(TTN):c.70086T>C (p.Ile23362=)

Genes: TTN (titin; minus strand), TTN-AS1 (TTN antisense RNA 1; plus strand), LOC126806422 (BRD4-independent group 4 enhancer GRCh37_chr2:179440205-179441404; plus strand). Cytogenetic location: 2q31.2.
Variant type: single nucleotide variant.
Coding change: c.70086T>C on transcript NM_001267550.2 (MANE Select); coding-DNA position 70086, T replaced by C.
Protein change: p.Ile23362=; no amino-acid change (isoleucine 23362 retained).
Molecular consequence: synonymous variant.
Genome position (GRCh38, 1-based): chr2:178,576,046, A>G on the plus strand (T>C on the coding strand, the complement: TTN is on the minus strand). VCF-style: chr2-178576046-A-G. GRCh37 (hg19) VCF-style: chr2-179440773-A-G.
Other names: c.65163T>C, p.Ile21721= (NM_001256850.1); c.42891T>C, p.Ile14297= (NM_003319.4); c.62382T>C, p.Ile20794= (NM_133378.4); c.43266T>C, p.Ile14422= (NM_133432.3); c.43467T>C, p.Ile14489= (NM_133437.4).
Identifiers: ClinVar variation 508849 (VCV000508849.1), dbSNP rs1553614606, ClinGen allele CA430258491.